The following is an entry in ClinVar:

NM_000069.3(CACNA1S):c.5318G>A (p.Arg1773Lys)

Gene: CACNA1S (calcium voltage-gated channel subunit alpha1 S; minus strand). Cytogenetic location: 1q32.1.
Variant type: single nucleotide variant.
Coding change: c.5318G>A on transcript NM_000069.3 (MANE Select); coding-DNA position 5318, G replaced by A.
Protein change: p.Arg1773Lys; replaces arginine 1773 with lysine.
Molecular consequence: missense variant.
Genome position (GRCh38, 1-based): chr1:201,040,283, C>T on the plus strand (G>A on the coding strand, the complement: CACNA1S is on the minus strand). VCF-style: chr1-201040283-C-T. GRCh37 (hg19) VCF-style: chr1-201009411-C-T.
Other names: short protein forms R1773K.
Identifiers: ClinVar variation 3386269 (VCV003386269.1).
Genomic context (GRCh38, chr1:201,040,283, plus strand): 5'-TGGCTCACCTTTTGGATCAGCAGGGCTGTAGCTGGTGCTGAGCACCTGGAAGTATTCTCC[C>T]TGGTGCTCCTGCTGTGGGGTGTCTCCTCATGAAGAGACCCTGGTGTGGAGCTCTTTCTGT-3'
Protein context (NP_000060.2, residues 1763-1783): HEETPHSRST[Arg1773Lys]ENTSRCSAPA

ClinVar aggregate classification (germline): Uncertain significance (1 of 4 stars; one submission).

Conditions:
Malignant hyperthermia, susceptibility to, 5 (MHS5). Also called: CACNA1S-Related Malignant Hyperthermia Susceptibility. Identifiers: Orphanet 423, MedGen C1866077, MONDO:0011163, OMIM 601887.

Submission:

All of Us Research Program, National Institutes of Health
Classification: Uncertain significance for Malignant hyperthermia, susceptibility to, 5. Last evaluated: 2024-03-24. Review status: criteria provided, single submitter. Criteria: ACMG Guidelines, 2015. Collection method: clinical testing. Allele origin: germline. Inheritance: Autosomal dominant inheritance. Observed: 1 variant allele, 1 heterozygote.
Comment: This missense variant replaces arginine with lysine at codon 1773 of the CACNA1S protein. Computational prediction suggests that this variant may not impact protein structure and function (internally defined REVEL score threshold <= 0.5, PMID: 27666373). To our knowledge, functional studies have not been reported for this variant. This variant has not been reported in individuals affected with CACNA1S-related disorders in the literature. This variant has not been identified in the general population by the Genome Aggregation Database (gnomAD). The available evidence is insufficient to determine the role of this variant in disease conclusively. Therefore, this variant is classified as a Variant of Uncertain Significance.

This study involves interpretation of variants in research participants for the purpose of population health screening. Participant phenotype was not available at the time of variant classification. Additional details can be found in publication PMID: 35346344, PMCID: PMC8962531